The following is an entry in ClinVar:

NM_021267.5(CERS1):c.113C>A (p.Thr38Lys)

Genes: CERS1 (ceramide synthase 1; minus strand), GDF1 (growth differentiation factor 1; minus strand). Cytogenetic location: 19p13.11.
Variant type: single nucleotide variant.
Coding change: c.113C>A on transcript NM_021267.5 (MANE Select); coding-DNA position 113, C replaced by A.
Protein change: p.Thr38Lys; replaces threonine 38 with lysine.
Molecular consequence: missense variant. On other transcripts: 5 prime UTR variant (4), intron variant (3).
Genome position (GRCh38, 1-based): chr19:18,895,960, G>T on the plus strand (C>A on the coding strand, the complement: CERS1 is on the minus strand). VCF-style: chr19-18895960-G-T. GRCh37 (hg19) VCF-style: chr19-19006769-G-T.
Other names: c.113C>A, p.Thr38Lys (NM_001387439.1, NM_001387440.1, NM_001387441.1 and 1 more transcripts); c.-416C>A (NM_001387444.1); c.-363C>A (NM_001387445.1); c.-790C>A (NM_001387438.1); c.-1210C>A (NM_001492.6); c.-46+766C>A (NM_001387443.1); c.-46+601C>A (NM_001387442.1, NM_001290265.2); short protein forms T38K.
Identifiers: ClinVar variation 2068427 (VCV002068427.4), dbSNP rs1169893067, ClinGen allele CA404868614.

ClinVar aggregate classification (germline): Uncertain significance (1 of 4 stars; one submission).

Conditions:
Progressive myoclonic epilepsy type 8. Identifiers: Orphanet 424027, MedGen C5190825, MONDO:0014545, OMIM 616230.

Submission:

Labcorp Genetics (formerly Invitae), Labcorp
Classification: Uncertain significance for Progressive myoclonic epilepsy type 8. Last evaluated: 2022-01-21. Review status: criteria provided, single submitter. Criteria: Invitae Variant Classification Sherloc (09022015). Collection method: clinical testing. Allele origin: germline.
Comment: In summary, the available evidence is currently insufficient to determine the role of this variant in disease. Therefore, it has been classified as a Variant of Uncertain Significance. Algorithms developed to predict the effect of missense changes on protein structure and function (SIFT, PolyPhen-2, Align-GVGD) all suggest that this variant is likely to be tolerated. This variant has not been reported in the literature in individuals affected with CERS1-related conditions. This variant is not present in population databases (gnomAD no frequency). This sequence change replaces threonine, which is neutral and polar, with lysine, which is basic and polar, at codon 38 of the CERS1 protein (p.Thr38Lys).